The following is an entry in ClinVar:

ClinVar aggregate classification (germline): Benign/Likely benign. Review status: criteria provided, multiple submitters, no conflicts (2 of 4 stars). 3 submissions from 2 submitters: Benign (2); Likely benign (1). Last evaluated 2021-05-18.

Conditions:
Cutis laxa. Identifiers: Orphanet 209, MedGen C0010495, MONDO:0016175, HP:0000973.
Macular degeneration, age-related, 3 (ARMD3). Identifiers: Orphanet 280598, MedGen C1837187, MONDO:0012145, OMIM 608895.

Allele frequency attached by ClinVar (database versions not stated): 1000 Genomes Project 0.01038; 1000 Genomes Project 30x 0.01046; TOPMed 0.01661; gnomAD 0.01664 and 0.01698; gnomAD exomes 0.01843.
gnomAD v4.1: 2,728 of 162,658 alleles (1.7%); highest among the groups gnomAD compares: Non-Finnish European, 2.6%; 37 homozygotes.

Submissions (3):

GeneDx
Classification: Likely benign. Last evaluated: 2021-05-18. Review status: criteria provided, single submitter. Criteria: GeneDx Variant Classification Process June 2021. Collection method: clinical testing. Allele origin: germline. Affected: yes.

Illumina Laboratory Services, Illumina
Classification: Benign for Macular degeneration, age-related, 3. Last evaluated: 2018-01-13. Review status: criteria provided, single submitter. Criteria: ICSL Variant Classification Criteria 13 December 2019. Collection method: clinical testing. Allele origin: germline.
Comment: This variant was observed in the ICSL laboratory as part of a predisposition screen in an ostensibly healthy population. It had not been previously curated by ICSL or reported in the Human Gene Mutation Database (HGMD: prior to June 1st, 2018), and was therefore a candidate for classification through an automated scoring system. Utilizing variant allele frequency, disease prevalence and penetrance estimates, and inheritance mode, an automated score was calculated to assess if this variant is too frequent to cause the disease. Based on the score and internal cut-off values, a variant classified as benign is not then subjected to further curation. The score for this variant resulted in a classification of benign for this disease.

Illumina Laboratory Services, Illumina
Classification: Benign for Cutis laxa. Last evaluated: 2018-01-13. Review status: criteria provided, single submitter. Criteria: ICSL Variant Classification Criteria 13 December 2019. Collection method: clinical testing. Allele origin: germline.
Comment: the same text as in the submission from Illumina Laboratory Services, Illumina above.

NM_006329.4(FBLN5):c.*514A>G

Gene: FBLN5 (fibulin 5; minus strand). Cytogenetic location: 14q32.12.
Variant type: single nucleotide variant.
Coding change: c.*514A>G on transcript NM_006329.4 (MANE Select); 514 bases downstream of the stop codon, A replaced by G.
Molecular consequence: 3 prime UTR variant.
Genome position (GRCh38, 1-based): chr14:91,869,710, T>C on the plus strand (A>G on the coding strand, the complement: FBLN5 is on the minus strand). VCF-style: chr14-91869710-T-C. GRCh37 (hg19) VCF-style: chr14-92336054-T-C.
Other names: c.*514A>G (NM_001384158.1, NM_001384159.1, NM_001384162.1); c.*645A>G (NM_001384160.1, NM_001384161.1).
Identifiers: ClinVar variation 314864 (VCV000314864.6), dbSNP rs17804735, ClinGen allele CA10646547.